The following is an entry in ClinVar:

NM_181882.3(PRX):c.1539G>A (p.Pro513=)

Gene: PRX (periaxin; minus strand). Cytogenetic location: 19q13.2.
Variant type: single nucleotide variant.
Coding change: c.1539G>A on transcript NM_181882.3 (MANE Select); coding-DNA position 1539, G replaced by A.
Protein change: p.Pro513=; no amino-acid change (proline 513 retained).
Molecular consequence: synonymous variant. On other transcripts: 3 prime UTR variant (1).
Genome position (GRCh38, 1-based): chr19:40,396,813, C>T on the plus strand (G>A on the coding strand, the complement: PRX is on the minus strand). VCF-style: chr19-40396813-C-T. GRCh37 (hg19) VCF-style: chr19-40902720-C-T.
Other names: c.*1744G>A (NM_020956.2).
Identifiers: ClinVar variation 698518 (VCV000698518.16), dbSNP rs187786861, ClinGen allele CA9444244.
Genomic context (GRCh38, chr19:40,396,813, plus strand): 5'-CACCTTTGGGAGTTTCATCTCCGACACTTTCAGCAGCTGTACCTCTGGAAGCCGCACCTC[C>T]GGCACAGCCATCTCTGGCACCTTTGGGAGTTTCATCTCTGACACTTTGGGCAGCTCTACC-3'
Protein context (NP_870998.2, residues 503-523): KLPKVPEMAV[Pro513=]EVRLPEVQLL

ClinVar aggregate classification (germline): Benign/Likely benign. Review status: criteria provided, multiple submitters, no conflicts (2 of 4 stars). 4 submissions from 4 submitters: Benign (1); Likely benign (3). Last evaluated 2025-12-19.

Conditions:
PRX-related disorder. Also called: PRX-related condition; PRX-Related Disorders.
Charcot-Marie-Tooth disease type 4. Also called: Charcot-Marie-Tooth disease, type IV; Charcot-Marie-Tooth, Type 4. Identifiers: Orphanet 64749, MedGen C4082197, MONDO:0018995.

Allele frequency attached by ClinVar (database versions not stated): gnomAD 0.00003 and 0.00013; TOPMed 0.00008; gnomAD exomes 0.00012 and 0.00016; ExAC 0.00044; 1000 Genomes Project 30x 0.00078; 1000 Genomes Project 0.00100.
gnomAD v4.1: 191 of 1,610,422 alleles (0.012%); highest among the groups gnomAD compares: South Asian, 0.18%; 3 homozygotes.

Submissions (4):

Labcorp Genetics (formerly Invitae), Labcorp
Classification: Benign for Charcot-Marie-Tooth disease type 4. Last evaluated: 2025-12-19. Review status: criteria provided, single submitter. Criteria: Invitae Variant Classification Sherloc (09022015). Collection method: clinical testing. Allele origin: germline.

PreventionGenetics, part of Exact Sciences
Classification: Likely benign for PRX-related condition. Last evaluated: 2025-09-27. Review status: criteria provided, single submitter. Criteria: ACMG Guidelines, 2015. Collection method: clinical testing. Allele origin: germline.
Comment: This variant is classified as likely benign based on ACMG/AMP sequence variant interpretation guidelines (Richards et al. 2015 PMID: 25741868, with internal and published modifications).

Blueprint Genetics
Classification: Likely benign. Last evaluated: 2024-04-20. Review status: criteria provided, single submitter. Criteria: ACMG Guidelines, 2015. Collection method: clinical testing. Allele origin: germline.

GeneDx
Classification: Likely benign. Last evaluated: 2018-10-04. Review status: criteria provided, single submitter. Criteria: GeneDx Variant Classification Process June 2021. Collection method: clinical testing. Allele origin: germline. Affected: yes.